The following is an entry in ClinVar:

NC_000020.11:g.(?_63438605)_(63488445_?)del

Genes: EEF1A2 (eukaryotic translation elongation factor 1 alpha 2; minus strand), KCNQ2 (potassium voltage-gated channel subfamily Q member 2; minus strand), KCNQ2-AS1 (KCNQ2 antisense RNA 1; plus strand), LOC129391211 (MPRA-validated peak4316 silencer; plus strand), LOC129391212 (MPRA-validated peak4318 silencer; plus strand). Cytogenetic location: 20q13.33.
Variant type: Deletion.
Identifiers: ClinVar variation 530655 (VCV000530655.42).

ClinVar aggregate classification (germline): Uncertain significance (1 of 4 stars; one submission).

Conditions:
Developmental and epileptic encephalopathy, 33 (DEE33). Also called: Epileptic encephalopathy, early infantile, 33. Identifiers: Orphanet 442835, MedGen C4225337, MONDO:0014625, OMIM 616409.

Submission:

Labcorp Genetics (formerly Invitae), Labcorp
Classification: Uncertain significance for Developmental and epileptic encephalopathy, 33. Last evaluated: 2021-02-08. Review status: criteria provided, single submitter. Criteria: Invitae Variant Classification Sherloc (09022015). Collection method: clinical testing. Allele origin: germline.
Comment: In summary, the available evidence is currently insufficient to determine the role of this variant in disease. Therefore, it has been classified as a Variant of Uncertain Significance. Experimental studies and prediction algorithms are not available or were not evaluated, and the functional significance of this variant is currently unknown. This variant has not been reported in the literature in individuals with EEF1A2-related conditions. This variant is a gross deletion of the genomic region encompassing exon(s) 8 of the EEF1A2 gene. The 5' boundary is likely confined to intron 7. The 3' end of this event is unknown as it extends through the termination codon beyond the assayed region for this gene and may encompass additional genes. While this deletion is not anticipated to lead to nonsense mediated decay, it is expected to alter mRNA translation or result in a truncated protein product.